The following is an entry in ClinVar:

NM_001048174.2(MUTYH):c.448G>C (p.Gly150Arg)

Gene: MUTYH (mutY DNA glycosylase; minus strand). Cytogenetic location: 1p34.1.
Variant type: single nucleotide variant.
Coding change: c.448G>C on transcript NM_001048174.2 (MANE Select); coding-DNA position 448, G replaced by C.
Protein change: p.Gly150Arg; replaces glycine 150 with arginine.
Molecular consequence: missense variant. On other transcripts: non-coding transcript variant (2).
Genome position (GRCh38, 1-based): chr1:45,332,807, C>G on the plus strand (G>C on the coding strand, the complement: MUTYH is on the minus strand). VCF-style: chr1-45332807-C-G. GRCh37 (hg19) VCF-style: chr1-45798479-C-G.
Other names: c.532G>C, p.Gly178Arg (NM_001128425.2); c.493G>C, p.Gly165Arg (NM_001293190.2); c.481G>C, p.Gly161Arg (NM_001293191.2, NM_001407069.1, NM_001407077.1); c.172G>C, p.Gly58Arg (NM_001293192.2, NM_001293196.2, NM_001407091.1); c.448G>C, p.Gly150Arg (NM_001293195.2, NM_001407070.1, NM_001407088.1 and 6 more transcripts); c.103G>C, p.Gly35Arg (NM_001350650.2, NM_001350651.2, NM_001407082.1); c.490G>C, p.Gly164Arg (NM_001407083.1, NM_001407085.1); c.451G>C, p.Gly151Arg (NM_001407086.1, NM_001048172.2, NM_001407071.1 and 1 more transcripts); and 5 more; short protein forms G150R, G175R, G178R, G35R, G136R, G151R, G58R, G122R.
Identifiers: ClinVar variation 1746878 (VCV001746878.3), dbSNP rs1427702684, ClinGen allele CA340135737.
Genomic context (GRCh38, chr1:45,332,807, plus strand): 5'-CCTGCCATCCCCTTACCTTCCGAGCTCCCTCCTGCAGCCGCCGGCCACGAGAATAGTAGC[C>G]CAGGCCAGCCCAGAGTTGATTCACCTCCTGTGGGTAGGATCAGAGGTCAAAGAGATCACC-3'
Protein context (NP_001041639.1, residues 140-160): EEVNQLWAGL[Gly150Arg]YYSRGRRLQE

ClinVar aggregate classification (germline): Conflicting classifications of pathogenicity. Review status: criteria provided, conflicting classifications (1 of 4 stars). 2 submissions from 2 submitters: Likely pathogenic (1); Uncertain significance (1). Last evaluated 2026-09-03.

Conditions:
Hereditary cancer-predisposing syndrome. Also called: Hereditary neoplastic syndrome; Neoplastic Syndromes, Hereditary; Tumor predisposition; Hereditary Cancer Syndrome. Identifiers: Orphanet 140162, MedGen C0027672, MeSH D009386, MONDO:0015356.
Familial adenomatous polyposis 2. Also called: ADENOMAS, MULTIPLE COLORECTAL, AUTOSOMAL RECESSIVE; MUTYH Polyposis; FAP type 2; MYH-associated polyposis; Adenomas, multiple colorectal; COLORECTAL ADENOMATOUS POLYPOSIS, AUTOSOMAL RECESSIVE. Identifiers: Orphanet 220460, Orphanet 247798, MedGen C3272841, MONDO:0012041, OMIM 608456.

Submissions (2):

Myriad Genetics, Inc.
Classification: Likely pathogenic for Familial adenomatous polyposis 2. Last evaluated: 2026-09-03. Review status: criteria provided, single submitter. Criteria: Myriad Autosomal Dominant, Autosomal Recessive and X-Linked Classification Criteria (2023). Collection method: clinical testing. Allele origin: unknown.
Comment: This variant is considered likely pathogenic. Functional studies indicate this variant impacts protein function [PMID: 40738107]. This variant is expected to disrupt protein structure [Myriad internal data].

Ambry Genetics
Classification: Uncertain significance for Hereditary cancer-predisposing syndrome. Last evaluated: 2021-04-19. Review status: criteria provided, single submitter. Criteria: Ambry Variant Classification Scheme 2023. Collection method: clinical testing. Allele origin: germline.
Comment: The p.G178R variant (also known as c.532G>C), located in coding exon 7 of the MUTYH gene, results from a G to C substitution at nucleotide position 532. The glycine at codon 178 is replaced by arginine, an amino acid with dissimilar properties. This amino acid position is highly conserved in available vertebrate species. In addition, this alteration is predicted to be tolerated by in silico analysis. Since supporting evidence is limited at this time, the clinical significance of this alteration remains unclear.

Literature cited by the submitters: PubMed 40738107 (cited by Myriad Genetics, Inc.).